The following is an entry in ClinVar:

ClinVar aggregate classification (germline): Uncertain significance. Review status: criteria provided, multiple submitters, no conflicts (2 of 4 stars). 3 submissions from 3 submitters: Uncertain significance (3). Last evaluated 2024-11-11.

Conditions:
Hereditary spastic paraplegia 48. Also called: Spastic paraplegia 48; SPASTIC PARAPLEGIA 48, AUTOSOMAL RECESSIVE. Identifiers: Orphanet 306511, MedGen C3150901, MONDO:0013342, OMIM 613647.
Inborn genetic diseases. Identifiers: MedGen C0950123, MeSH D030342.

Allele frequency attached by ClinVar (database versions not stated): TOPMed 0.00002; gnomAD 0.00003; gnomAD exomes 0.00004; ExAC 0.00005; ESP Exome Variant Server 0.00008.
gnomAD v4.1: 55 of 1,610,780 alleles (0.0034%); highest among the groups gnomAD compares: Admixed American, 0.0067%; no homozygotes.

Submissions (3):

Ambry Genetics
Classification: Uncertain significance for Inborn genetic diseases. Last evaluated: 2024-11-11. Review status: criteria provided, single submitter. Criteria: Ambry Variant Classification Scheme 2023. Collection method: clinical testing. Allele origin: germline.

Labcorp Genetics (formerly Invitae), Labcorp
Classification: Uncertain significance for Hereditary spastic paraplegia 48. Last evaluated: 2024-10-17. Review status: criteria provided, single submitter. Criteria: Invitae Variant Classification Sherloc (09022015). Collection method: clinical testing. Allele origin: germline.
Comment: This sequence change replaces valine, which is neutral and non-polar, with methionine, which is neutral and non-polar, at codon 664 of the AP5Z1 protein (p.Val664Met). This variant is present in population databases (rs368416368, gnomAD 0.01%). This variant has not been reported in the literature in individuals affected with AP5Z1-related conditions. ClinVar contains an entry for this variant (Variation ID: 2148791). Invitae Evidence Modeling of protein sequence and biophysical properties (such as structural, functional, and spatial information, amino acid conservation, physicochemical variation, residue mobility, and thermodynamic stability) has been performed for this missense variant. However, the output from this modeling did not meet the statistical confidence thresholds required to predict the impact of this variant on AP5Z1 protein function. In summary, the available evidence is currently insufficient to determine the role of this variant in disease. Therefore, it has been classified as a Variant of Uncertain Significance.

Revvity Omics, Revvity
Classification: Uncertain significance for Hereditary spastic paraplegia 48. Last evaluated: 2024-04-04. Review status: criteria provided, single submitter. Criteria: ACMG Guidelines, 2015. Collection method: clinical testing. Allele origin: germline.

NM_014855.3(AP5Z1):c.1990G>A (p.Val664Met)

Gene: AP5Z1 (adaptor related protein complex 5 subunit zeta 1; plus strand). Cytogenetic location: 7p22.1.
Variant type: single nucleotide variant.
Coding change: c.1990G>A on transcript NM_014855.3 (MANE Select); coding-DNA position 1990, G replaced by A.
Protein change: p.Val664Met; replaces valine 664 with methionine.
Molecular consequence: missense variant. On other transcripts: non-coding transcript variant (1).
Genome position (GRCh38, 1-based): chr7:4,790,724, G>A. VCF-style: chr7-4790724-G-A. GRCh37 (hg19) VCF-style: chr7-4830355-G-A.
Other names: c.1522G>A, p.Val508Met (NM_001364858.1); c.1990G>A (NM_014855.2); short protein forms V664M, V508M.
Identifiers: ClinVar variation 2148791 (VCV002148791.8), dbSNP rs368416368, ClinGen allele CA4138254.